The following is an entry in ClinVar:

ClinVar aggregate classification (germline): Uncertain significance (1 of 4 stars; one submission).

gnomAD v4.1: 6 of 1,584,316 alleles (0.00038%); highest among the groups gnomAD compares: Non-Finnish European, 0.00052%; no homozygotes.

Submission:

Labcorp Genetics (formerly Invitae), Labcorp
Classification: Uncertain significance. Last evaluated: 2025-02-21. Review status: criteria provided, single submitter. Criteria: Invitae Variant Classification Sherloc (09022015). Collection method: clinical testing. Allele origin: germline.
Comment: This sequence change replaces alanine, which is neutral and non-polar, with glycine, which is neutral and non-polar, at codon 1353 of the ADGRB2 protein (p.Ala1353Gly). This variant is present in population databases (no rsID available, gnomAD 0.001%). This variant has not been reported in the literature in individuals affected with ADGRB2-related conditions. An algorithm developed to predict the effect of missense changes on protein structure and function outputs the following: PolyPhen-2: "Benign". The glycine amino acid residue is found in multiple mammalian species, which suggests that this missense change does not adversely affect protein function. In summary, the available evidence is currently insufficient to determine the role of this variant in disease. Therefore, it has been classified as a Variant of Uncertain Significance.

NM_001364857.2(ADGRB2):c.4157C>G (p.Ala1386Gly)

Gene: ADGRB2 (adhesion G protein-coupled receptor B2; minus strand). Cytogenetic location: 1p35.2.
Variant type: single nucleotide variant.
Coding change: c.4157C>G on transcript NM_001364857.2 (MANE Select); coding-DNA position 4157, C replaced by G.
Protein change: p.Ala1386Gly; replaces alanine 1386 with glycine.
Molecular consequence: missense variant.
Genome position (GRCh38, 1-based): chr1:31,731,023, G>C on the plus strand (C>G on the coding strand, the complement: ADGRB2 is on the minus strand). VCF-style: chr1-31731023-G-C. GRCh37 (hg19) VCF-style: chr1-32196624-G-C.
Other names: c.4157C>G, p.Ala1386Gly (NM_001294335.2); c.4058C>G, p.Ala1353Gly (NM_001294336.2); short protein forms A1353G, A1386G.
Identifiers: ClinVar variation 3606993 (VCV003606993.2).
Genomic context (GRCh38, chr1:31,731,023, plus strand): 5'-AGGCCCGAGTGGTCCACGGACAGGAAGCTGGGGTAGCCTTCAGTGTGGGCCACTGTCTTG[G>C]CAGCTCGCCGGGGGGTCCCCTCCGGCCGGGCCCTGGGGGCATCCTCACCACCTCCACCCC-3'
Protein context (NP_001351786.1, residues 1376-1396): ARPEGTPRRA[Ala1386Gly]KTVAHTEGYP